The following is an entry in ClinVar:

ClinVar aggregate classification (germline): Uncertain significance. Review status: criteria provided, multiple submitters, no conflicts (2 of 4 stars). 2 submissions from 2 submitters: Uncertain significance (2). Last evaluated 2024-02-22.

Conditions:
Cardiovascular phenotype. Identifiers: MedGen CN230736.
Dilated cardiomyopathy 1JJ (CMD1JJ). Identifiers: Orphanet 154, MedGen C3808935, MONDO:0014095, OMIM 615235.

Allele frequency attached by ClinVar (database versions not stated): gnomAD exomes below 0.00001; TOPMed below 0.00001.
gnomAD v4.1: 2 of 1,612,982 alleles (0.00012%); highest among the groups gnomAD compares: Admixed American, 0.0017%; no homozygotes.

Submissions (2):

Ambry Genetics
Classification: Uncertain significance for Cardiovascular phenotype. Last evaluated: 2024-02-22. Review status: criteria provided, single submitter. Criteria: Ambry Variant Classification Scheme 2023. Collection method: clinical testing. Allele origin: germline.
Comment: The p.W7L variant (also known as c.20G>T), located in coding exon 1 of the LAMA4 gene, results from a G to T substitution at nucleotide position 20. The tryptophan at codon 7 is replaced by leucine, an amino acid with similar properties. This amino acid position is conserved. In addition, the in silico prediction for this alteration is inconclusive. Based on the available evidence, the clinical significance of this alteration remains unclear.

Labcorp Genetics (formerly Invitae), Labcorp
Classification: Uncertain significance for Dilated cardiomyopathy 1JJ. Last evaluated: 2023-06-04. Review status: criteria provided, single submitter. Criteria: Invitae Variant Classification Sherloc (09022015). Collection method: clinical testing. Allele origin: germline.
Comment: In summary, the available evidence is currently insufficient to determine the role of this variant in disease. Therefore, it has been classified as a Variant of Uncertain Significance. An algorithm developed to predict the effect of missense changes on protein structure and function (PolyPhen-2) suggests that this variant is likely to be tolerated. This variant has not been reported in the literature in individuals affected with LAMA4-related conditions. This variant is present in population databases (no rsID available, gnomAD 0.003%). This sequence change replaces tryptophan, which is neutral and slightly polar, with leucine, which is neutral and non-polar, at codon 7 of the LAMA4 protein (p.Trp7Leu).

NM_001105206.3(LAMA4):c.20G>T (p.Trp7Leu)

Genes: LAMA4 (laminin subunit alpha 4; minus strand), LAMA4-AS1 (LAMA4 antisense RNA 1; plus strand). Cytogenetic location: 6q21.
Variant type: single nucleotide variant.
Coding change: c.20G>T on transcript NM_001105206.3 (MANE Select); coding-DNA position 20, G replaced by T.
Protein change: p.Trp7Leu; replaces tryptophan 7 with leucine.
Molecular consequence: missense variant.
Genome position (GRCh38, 1-based): chr6:112,254,131, C>A on the plus strand (G>T on the coding strand, the complement: LAMA4 is on the minus strand). VCF-style: chr6-112254131-C-A. GRCh37 (hg19) VCF-style: chr6-112575333-C-A.
Other names: c.20G>T, p.Trp7Leu (NM_001105207.3, NM_001105208.3, NM_001105209.3 and 1 more transcripts); short protein forms W7L.
Identifiers: ClinVar variation 2978442 (VCV002978442.4), dbSNP rs1554190577, ClinGen allele CA365519008.